The following is an entry in ClinVar:

NM_000429.3(MAT1A):c.*19C>A

Genes: MAT1A (methionine adenosyltransferase 1A; minus strand), LOC126860980 (CDK7 strongly-dependent group 2 enhancer GRCh37_chr10:82032694-82033893; plus strand). Cytogenetic location: 10q22.3.
Variant type: single nucleotide variant.
Coding change: c.*19C>A on transcript NM_000429.3 (MANE Select); 19 bases downstream of the stop codon, C replaced by A.
Molecular consequence: 3 prime UTR variant.
Genome position (GRCh38, 1-based): chr10:80,273,762, G>T on the plus strand (C>A on the coding strand, the complement: MAT1A is on the minus strand). VCF-style: chr10-80273762-G-T. GRCh37 (hg19) VCF-style: chr10-82033518-G-T.
Identifiers: ClinVar variation 878671 (VCV000878671.5), dbSNP rs199546548, ClinGen allele CA5576577.

ClinVar aggregate classification (germline): Likely benign. Review status: criteria provided, multiple submitters, no conflicts (2 of 4 stars). 2 submissions from 2 submitters: Likely benign (2). Last evaluated 2018-01-13.

Conditions:
Hepatic methionine adenosyltransferase deficiency. Also called: Isolated Persistent Hypermethioninemia; MAT I/III DEFICIENCY; Methionine adenosyltransferase deficiency; Deficiency of methionine adenosyltransferase. Identifiers: Orphanet 168598, MedGen C0268621, MeSH C564683, MONDO:0009607, OMIM 250850.

Allele frequency attached by ClinVar (database versions not stated): 1000 Genomes Project 0.00140; 1000 Genomes Project 30x 0.00156; TOPMed 0.00262; gnomAD 0.00266 and 0.00270; gnomAD exomes 0.00290 and 0.00358; ExAC 0.00323; ESP Exome Variant Server 0.00377.
gnomAD v4.1: 5,500 of 1,581,968 alleles (0.35%); highest among the groups gnomAD compares: Middle Eastern, 0.53%; 17 homozygotes.

Submissions (2):

Illumina Laboratory Services, Illumina
Classification: Likely benign for Hepatic methionine adenosyltransferase deficiency. Last evaluated: 2018-01-13. Review status: criteria provided, single submitter. Criteria: ICSL Variant Classification Criteria 13 December 2019. Collection method: clinical testing. Allele origin: germline.
Comment: This variant was observed in the ICSL laboratory as part of a predisposition screen in an ostensibly healthy population. It had not been previously curated by ICSL or reported in the Human Gene Mutation Database (HGMD: prior to June 1st, 2018), and was therefore a candidate for classification through an automated scoring system. Utilizing variant allele frequency, disease prevalence and penetrance estimates, and inheritance mode, an automated score was calculated to assess if this variant is too frequent to cause the disease. Based on the score and internal cut-off values, a variant classified as likely benign is not then subjected to further curation. The score for this variant resulted in a classification of likely benign for this disease.

Breakthrough Genomics
Classification: Likely benign. Review status: criteria provided, single submitter. Criteria: ACMG Guidelines, 2015. Collection method: not provided. Allele origin: germline. Inheritance: Autosomal dominant inheritance. Affected: yes.